The following is an entry in ClinVar:

ClinVar aggregate classification (germline): Pathogenic (1 of 4 stars; one submission).

Conditions:
Aspartylglucosaminuria (AGU). Also called: AGA DEFICIENCY; GLYCOASPARAGINASE; GLYCOSYLASPARAGINASE DEFICIENCY; Aspartylglucos-aminuria; Aspartylglucos-amidase (AGA) deficiency. Identifiers: Orphanet 93, MedGen C0268225, MONDO:0008830, OMIM 208400, HP:0012068.

Submission:

Labcorp Genetics (formerly Invitae), Labcorp
Classification: Pathogenic for Aspartylglucosaminuria. Last evaluated: 2022-03-12. Review status: criteria provided, single submitter. Criteria: Invitae Variant Classification Sherloc (09022015). Collection method: clinical testing. Allele origin: germline.
Comment: This sequence change creates a premature translational stop signal (p.Glu58*) in the AGA gene. It is expected to result in an absent or disrupted protein product. Loss-of-function variants in AGA are known to be pathogenic (PMID: 7627186, 11309371). This variant is not present in population databases (gnomAD no frequency). For these reasons, this variant has been classified as Pathogenic. This variant has not been reported in the literature in individuals affected with AGA-related conditions.

Literature cited by the submitters: PubMed 7627186; PubMed 11309371.

NM_000027.4(AGA):c.172G>T (p.Glu58Ter)

Gene: AGA (aspartylglucosaminidase; minus strand). Cytogenetic location: 4q34.3.
Variant type: single nucleotide variant.
Coding change: c.172G>T on transcript NM_000027.4 (MANE Select); coding-DNA position 172, G replaced by T.
Protein change: p.Glu58Ter; replaces glutamic acid 58 with a stop codon.
Molecular consequence: nonsense. On other transcripts: non-coding transcript variant (1).
Genome position (GRCh38, 1-based): chr4:177,440,382, C>A on the plus strand (G>T on the coding strand, the complement: AGA is on the minus strand). VCF-style: chr4-177440382-C-A. GRCh37 (hg19) VCF-style: chr4-178361536-C-A.
Other names: c.172G>T, p.Glu58Ter (NM_001171988.2); short protein forms E58*.
Identifiers: ClinVar variation 2109804 (VCV002109804.4), dbSNP rs1736958050, ClinGen allele CA358784546.